The following is an entry in ClinVar:

NM_130837.3(OPA1):c.2983+206C>T

Gene: OPA1 (OPA1 mitochondrial dynamin like GTPase; plus strand). Cytogenetic location: 3q29.
Variant type: single nucleotide variant.
Coding change: c.2983+206C>T on transcript NM_130837.3 (MANE Select); 206 bases into the intron after coding-DNA position 2983, C replaced by T.
Molecular consequence: intron variant.
Genome position (GRCh38, 1-based): chr3:193,667,486, C>T. VCF-style: chr3-193667486-C-T. GRCh37 (hg19) VCF-style: chr3-193385275-C-T.
Other names: c.2446+206C>T (NM_001354664.2); c.2449+206C>T (NM_001354663.2); c.2872+206C>T (NM_130834.3); c.2929+206C>T (NM_130836.3); c.2818+206C>T (NM_015560.3); c.2875+206C>T (NM_130835.3); c.2764+206C>T (NM_130832.3); c.2821+206C>T (NM_130833.3); and 1 more.
Identifiers: ClinVar variation 667793 (VCV000667793.2), dbSNP rs13070791, ClinGen allele CA2759816.

ClinVar aggregate classification (germline): Benign. Review status: criteria provided, multiple submitters, no conflicts (2 of 4 stars). 2 submissions from 2 submitters: Benign (2). Last evaluated 2018-06-14.

Allele frequency attached by ClinVar (database versions not stated): 1000 Genomes Project 30x 0.38226; 1000 Genomes Project 0.38399; TOPMed 0.41271; gnomAD exomes 0.41529 and 0.41734; ExAC 0.42431; gnomAD 0.42899.
gnomAD v4.1: 239,055 of 572,490 alleles (42%); highest among the groups gnomAD compares: Non-Finnish European, 43%; 50,763 homozygotes.

Submissions (2):

GeneDx
Classification: Benign. Last evaluated: 2018-06-14. Review status: criteria provided, single submitter. Criteria: GeneDx Variant Classification (06012015). Collection method: clinical testing. Allele origin: germline. Affected: yes.
Comment: This variant is considered likely benign or benign based on one or more of the following criteria: it is a conservative change, it occurs at a poorly conserved position in the protein, it is predicted to be benign by multiple in silico algorithms, and/or has population frequency not consistent with disease.

Breakthrough Genomics
Classification: Benign. Review status: criteria provided, single submitter. Criteria: ACMG Guidelines, 2015. Collection method: not provided. Allele origin: germline. Inheritance: Autosomal recessive inheritance. Affected: yes.